The following is an entry in ClinVar:

ClinVar aggregate classification (germline): Uncertain significance (1 of 4 stars; one submission).

Submission:

Labcorp Genetics (formerly Invitae), Labcorp
Classification: Uncertain significance. Last evaluated: 2023-10-13. Review status: criteria provided, single submitter. Criteria: Invitae Variant Classification Sherloc (09022015). Collection method: clinical testing. Allele origin: germline.
Comment: This sequence change replaces proline, which is neutral and non-polar, with alanine, which is neutral and non-polar, at codon 117 of the SETBP1 protein (p.Pro117Ala). This variant is not present in population databases (gnomAD no frequency). This variant has not been reported in the literature in individuals affected with SETBP1-related conditions. An algorithm developed to predict the effect of missense changes on protein structure and function (PolyPhen-2) suggests that this variant is likely to be disruptive. In summary, the available evidence is currently insufficient to determine the role of this variant in disease. Therefore, it has been classified as a Variant of Uncertain Significance.

NM_015559.3(SETBP1):c.349C>G (p.Pro117Ala)

Gene: SETBP1 (SET binding protein 1; plus strand). Cytogenetic location: 18q12.3.
Variant type: single nucleotide variant.
Coding change: c.349C>G on transcript NM_015559.3 (MANE Select); coding-DNA position 349, C replaced by G.
Protein change: p.Pro117Ala; replaces proline 117 with alanine.
Molecular consequence: missense variant.
Genome position (GRCh38, 1-based): chr18:44,701,695, C>G. VCF-style: chr18-44701695-C-G. GRCh37 (hg19) VCF-style: chr18-42281660-C-G.
Other names: c.349C>G, p.Pro117Ala (NM_001130110.2, NM_001379141.1, NM_001379142.1 and 1 more transcripts); short protein forms P117A.
Identifiers: ClinVar variation 2863725 (VCV002863725.3), dbSNP rs2511333656, ClinGen allele CA402481981.